The following is an entry in ClinVar:

ClinVar aggregate classification (germline): Pathogenic. Review status: reviewed by expert panel (3 of 4 stars). 12 submissions from 11 submitters: Pathogenic (1). 11 of the submissions do not count toward it. Last evaluated 2015-08-10.

Conditions:
Hereditary cancer-predisposing syndrome. Also called: Hereditary Cancer Syndrome; Hereditary neoplastic syndrome; Neoplastic Syndromes, Hereditary; Tumor predisposition. Identifiers: Orphanet 140162, MedGen C0027672, MeSH D009386, MONDO:0015356.
Inherited ovarian cancer (without breast cancer).
Inherited breast cancer and ovarian cancer.
Breast-ovarian cancer, familial, susceptibility to, 1 (BROVCA1). Also called: BRCA1 Hereditary Breast and Ovarian Cancer; OVARIAN CANCER, SUSCEPTIBILITY TO. Identifiers: Orphanet 145, MedGen C2676676, MONDO:0011450, OMIM 604370. Disease mechanism: loss of function.
Hereditary breast ovarian cancer syndrome. Also called: BRCA1- and BRCA2-Associated Hereditary Breast and Ovarian Cancer; Hereditary breast and ovarian cancer syndrome; Hereditary breast and ovarian cancer syndrome (HBOC); Breast and ovarian cancer; Hereditary breast and/or ovarian cancer syndrome; Hereditary breast and ovarian cancer. Identifiers: Orphanet 145, MedGen C0677776, MeSH D061325, MONDO:0003582. Disease mechanism: loss of function.

Allele frequency attached by ClinVar (database versions not stated): gnomAD exomes below 0.00001.
gnomAD v4.1: 2 of 1,611,168 alleles (0.00012%); highest among the groups gnomAD compares: Non-Finnish European, 0.00017%; no homozygotes.

Submissions (13):

Evidence-based Network for the Interpretation of Germline Mutant Alleles (ENIGMA)
Classification: Pathogenic for Breast-ovarian cancer, familial 1. Last evaluated: 2015-08-10. Review status: reviewed by expert panel. Criteria: ENIGMA BRCA1/2 Classification Criteria (2015). Collection method: curation. Allele origin: germline.
Comment: IARC class based on posterior probability from multifactorial likelihood analysis, thresholds for class as per Plon et al. 2008 (PMID: 18951446). Class 5 based on posterior probability = 1

Genetics Laboratory, Great Ormond Street Hospital NHS Foundation Trust, North Thames Genomic Laboratory Hub
Classification: Pathogenic for Inherited ovarian cancer (without breast cancer). Last evaluated: 2026-06-18. Review status: criteria provided, single submitter. Criteria: CanVIG BRCA Gene Specific V1.22. Collection method: clinical testing. Allele origin: germline. Affected: yes. Not counted in ClinVar's aggregate classification.
Comment: PS4_very-strong, PM2_supporting, PVS1_very-strong

Genetics Laboratory, Great Ormond Street Hospital NHS Foundation Trust, North Thames Genomic Laboratory Hub
Classification: Pathogenic for Inherited breast cancer and ovarian cancer. Last evaluated: 2026-06-18. Review status: criteria provided, single submitter. Criteria: CanVIG BRCA Gene Specific V1.22. Collection method: clinical testing. Allele origin: germline. Affected: yes. Not counted in ClinVar's aggregate classification.
Comment: the same text as in the submission from Genetics Laboratory, Great Ormond Street Hospital NHS Foundation Trust, North Thames Genomic Laboratory Hub above.

Ambry Genetics
Classification: Pathogenic for Hereditary cancer-predisposing syndrome. Last evaluated: 2025-04-15. Review status: criteria provided, single submitter. Criteria: Ambry Variant Classification Scheme 2023. Collection method: clinical testing. Allele origin: germline. Not counted in ClinVar's aggregate classification.
Comment: The c.5152+1G>T intronic pathogenic mutation results from a G to T substitution one nucleotide after coding exon 16 of the BRCA1 gene. This variant, sometimes referred to as IVS18+1G>T and 5271+1G>T in literature, has been reported in a family with multiple members diagnosed with breast cancer before the age of 60 (Gayther SA et al. Nat. Genet. 1995 Dec;11(4):428-33). Additionally, this alteration has been classified as pathogenic by multifactorial analysis, which integrates in silico prediction models, segregation with disease, tumor characteristics, mutation co-occurrence, and functional assay results to determine a likelihood ratio of pathogenicity (Lindor NM et al. Hum. Mutat. 2012 Jan;33(1):8-21). One functional study found that this nucleotide substitution is deleterious in a high throughput genome editing haploid cell survival assay (Findlay GM et al. Nature, 2018 10;562:217-222). RNA studies have demonstrated that this alteration results in abnormal splicing in the set of samples tested (Ambry internal data). In silico splice site analysis predicts that this alteration will weaken the native splice donor site. This variant is considered to be rare based on population cohorts in the Genome Aggregation Database (gnomAD). As such, this alteration is classified as a disease-causing mutation.

Labcorp Genetics (formerly Invitae), Labcorp
Classification: Pathogenic for Hereditary breast ovarian cancer syndrome. Last evaluated: 2024-12-24. Review status: criteria provided, single submitter. Criteria: Invitae Variant Classification Sherloc (09022015). Collection method: clinical testing. Allele origin: germline. Not counted in ClinVar's aggregate classification.
Comment: This sequence change affects a donor splice site in intron 17 of the BRCA1 gene. RNA analysis indicates that disruption of this splice site induces altered splicing and likely results in a shortened protein product. This variant is not present in population databases (gnomAD no frequency). Disruption of this splice site has been observed in individual(s) with breast and/or ovarian cancer (PMID: 7493024, 29446198). This variant is also known as 5271+1G>T and IVS18+1G>T. ClinVar contains an entry for this variant (Variation ID: 55423). Based on a multifactorial likelihood algorithm using genetic, in silico, and/or statistical data, this variant has been determined to have a high probability of being pathogenic (PMID: 21990134). Studies have shown that disruption of this splice site results in skipping of exon 17, but is expected to preserve the integrity of the reading-frame (PMID: 30209399). For these reasons, this variant has been classified as Pathogenic.

Cambridge Genomics Laboratory, East Genomic Laboratory Hub, NHS Genomic Medicine Service
Classification: Pathogenic for Inherited breast cancer and ovarian cancer. Last evaluated: 2024-08-12. Review status: criteria provided, single submitter. Criteria: ACGS Best Practice Guidelines for Variant Classification in Rare Disease 2020. Collection method: clinical testing. Allele origin: germline. Affected: yes. Not counted in ClinVar's aggregate classification.
Comment: PVS1,PS4_Very Strong,PM2_Supporting

GeneDx
Classification: Pathogenic. Last evaluated: 2022-09-12. Review status: criteria provided, single submitter. Criteria: GeneDx Variant Classification Process June 2021. Collection method: clinical testing. Allele origin: germline. Affected: yes. Not counted in ClinVar's aggregate classification.
Comment: Multifactorial studies suggest this variant is associated with breast and ovarian cancer (Lindor et al., 2012); Observed in individuals with personal and/or family history of BRCA1-related cancers (Gayther et al., 1995; Spurdle et al., 2008; Kim et al., 2012; Brovkina et al., 2018; Nones et al., 2019; Frugtniet et al., 2022); Canonical splice site variant expected to result in aberrant splicing, although in the absence of functional evidence the actual effect of this sequence change is unknown; Not observed at significant frequency in large population cohorts (gnomAD); Also known as 5271+1G>T and IVS18+1G>T; This variant is associated with the following publications: (PMID: 18375895, 8807330, 25525159, 22798144, 7493024, 9699523, 15345110, 30209399, 33087929, 34657373, 21990134, 30333958, 29446198, 31090900)

Color Diagnostics, LLC DBA Color Health
Classification: Pathogenic for Hereditary cancer-predisposing syndrome. Last evaluated: 2020-06-09. Review status: criteria provided, single submitter. Criteria: ACMG Guidelines, 2015. Collection method: clinical testing. Allele origin: germline. Not counted in ClinVar's aggregate classification.
Comment: This variant causes a G to T nucleotide substitution at the +1 position of intron 17 of the BRCA1 gene. This variant is also known as IVS18+1G>T in the literature. RNA study on carrier RNA has reported that this variant resulted in the skipping of exon 17 that partially encodes the BRCT domain (PMID: 30101128), and this variant also is reported to be loss-of-function in a haploid cell proliferation assay (PMID: 30209399). This variant has been reported in at least nine families at-risk for hereditary breast and ovarian cancer (PMID: 7493024, 29446198) and additional individuals who underwent cancer genetic testing (PMID: 18375895). Multifactorial analyses have found this variant to be deleterious with posterior probability of 1.0, based in part on likelihood ratio (deleterious) of 7562 from tumor histopathology (PMID: 18375895, 21990134). This variant has not been identified in the general population by the Genome Aggregation Database (gnomAD). Loss of BRCA1 function is a known mechanism of disease. Based on the available evidence, this variant is classified as Pathogenic.

Laboratory for Molecular Medicine, Mass General Brigham Personalized Medicine
Classification: Pathogenic for Hereditary breast ovarian cancer syndrome. Last evaluated: 2019-10-14. Review status: criteria provided, single submitter. Criteria: ACMG Guidelines, 2015. Collection method: clinical testing. Allele origin: germline. Not counted in ClinVar's aggregate classification.
Comment: The c.5152+1G>T variant in BRCA1 has been reported in at least 11 probands hereditary breast and/or ovarian cancer (HBOC; Gayther 1995, Brovkina 2018, BIC database). It was absent from large population studies. This variant occurs within the canonical splice site (+/- 1,2) and is predicted to cause altered splicing leading to an abnormal or absent protein. Loss of function of the BRCA1 gene is an established disease mechanism in autosomal dominant HBOC. In vitro functional studies support an impact on protein function (Findlay 2018). This variant was classified as Pathogenic on Oct 18, 2016 by the ClinGen-approved ENIGMA expert panel (Variation ID: 55423). In summary, this variant meets criteria to be classified as pathogenic for autosomal dominant HBOC. ACMG/AMP Criteria applied: PVS1, PM2, PS3_Moderate, PS4_Moderate.

Consortium of Investigators of Modifiers of BRCA1/2 (CIMBA), c/o University of Cambridge
Classification: Pathogenic for Breast-ovarian cancer, familial, susceptibility to, 1. Last evaluated: 2015-10-02. Review status: criteria provided, single submitter. Criteria: CIMBA Mutation Classification guidelines May 2016. Collection method: clinical testing. Allele origin: germline. Not counted in ClinVar's aggregate classification.

BRCAlab, Lund University
Classification: Pathogenic for Breast-ovarian cancer, familial, susceptibility to, 1. Last evaluated: 2020-03-02. Review status: no assertion criteria provided. Collection method: clinical testing. Allele origin: germline. Affected: yes. Not counted in ClinVar's aggregate classification.

Breast Cancer Information Core (BIC) (BRCA1)
Classification: Pathogenic for Breast-ovarian cancer, familial 1. Last evaluated: 2002-05-29. Review status: no assertion criteria provided. Collection method: clinical testing. Allele origin: germline, unknown. Affected: yes. Observed: 9 variant alleles. Not counted in ClinVar's aggregate classification.

Brotman Baty Institute, University of Washington
No classification provided (evidence only). Condition: Breast-ovarian cancer, familial 1. Review status: no classification provided. Collection method: in vitro. Allele origin: not applicable. Functional consequence: functionally_abnormal. Not counted in ClinVar's aggregate classification.
ClinVar note: "not provided" was previously submitted as the classification for the variant. However, the classification appeared to be based only on an observation of functional data so it was converted to no classification on 2025-07-30.

Literature cited by the submitters: PubMed 21990134 (cited by 3 submitters); PubMed 25525159 (cited by Ambry Genetics); PubMed 30209399 (cited by 3 submitters); PubMed 7493024 (cited by 3 submitters); PubMed 29446198 (cited by Labcorp Genetics (formerly Invitae), Labcorp); PubMed 30333958 (cited by Laboratory for Molecular Medicine, Mass General Brigham Personalized Medicine).

NM_007294.4(BRCA1):c.5152+1G>T

Gene: BRCA1 (BRCA1 DNA repair associated; minus strand). Cytogenetic location: 17q21.31.
Variant type: single nucleotide variant.
Coding change: c.5152+1G>T on transcript NM_007294.4 (MANE Select); the canonical splice donor site of the intron after coding-DNA position 5152, G replaced by T.
Molecular consequence: splice donor variant. On other transcripts: intron variant (2).
Genome position (GRCh38, 1-based): chr17:43,063,873, C>A on the plus strand (G>T on the coding strand, the complement: BRCA1 is on the minus strand). VCF-style: chr17-43063873-C-A. GRCh37 (hg19) VCF-style: chr17-41215890-C-A.
Other names: IVS18+1G>T; c.1840+1G>T (NM_001407982.1, NM_001407980.1, NM_001407992.1 and 12 more transcripts); c.1909+1G>T (NM_001407970.1, NM_001407971.1); c.5149+1G>T (NM_001407621.1, NM_001407613.1, NM_001407612.1 and 17 more transcripts); c.5152+1G>T (NM_001407593.1, NM_001407597.1, NM_001407605.1 and 7 more transcripts); c.1699+1G>T (NM_001408458.1, NM_001408461.1, NM_001408465.1 and 7 more transcripts); c.4261+1G>T (NM_001407967.1); c.4771+1G>T (NM_001407959.1); and 74 more.
Identifiers: ClinVar variation 55423 (VCV000055423.26), dbSNP rs80358094, ClinGen allele CA003281.